The following is an entry in ClinVar:

ClinVar aggregate classification (germline): Pathogenic (1 of 4 stars; one submission).

Conditions:
Alagille syndrome due to a JAG1 point mutation. Also called: JAG1-Related Alagille Syndrome; HEPATIC DUCTULAR HYPOPLASIA, SYNDROMATIC; Alagille Syndrome 1. Identifiers: Orphanet 261619, Orphanet 52, MedGen C1956125, MONDO:0016862, OMIM 118450.

Submission:

Labcorp Genetics (formerly Invitae), Labcorp
Classification: Pathogenic for Alagille syndrome due to a JAG1 point mutation. Last evaluated: 2024-10-03. Review status: criteria provided, single submitter. Criteria: Invitae Variant Classification Sherloc (09022015). Collection method: clinical testing. Allele origin: germline.
Comment: This sequence change creates a premature translational stop signal (p.Trp139*) in the JAG1 gene. It is expected to result in an absent or disrupted protein product. Loss-of-function variants in JAG1 are known to be pathogenic (PMID: 11180599). This variant is not present in population databases (gnomAD no frequency). This variant has not been reported in the literature in individuals affected with JAG1-related conditions. For these reasons, this variant has been classified as Pathogenic.

Literature cited by the submitters: PubMed 11180599.

NM_000214.3(JAG1):c.416G>A (p.Trp139Ter)

Gene: JAG1 (jagged canonical Notch ligand 1; minus strand). Cytogenetic location: 20p12.2.
Variant type: single nucleotide variant.
Coding change: c.416G>A on transcript NM_000214.3 (MANE Select); coding-DNA position 416, G replaced by A.
Protein change: p.Trp139Ter; replaces tryptophan 139 with a stop codon.
Molecular consequence: nonsense.
Genome position (GRCh38, 1-based): chr20:10,663,986, C>T on the plus strand (G>A on the coding strand, the complement: JAG1 is on the minus strand). VCF-style: chr20-10663986-C-T. GRCh37 (hg19) VCF-style: chr20-10644634-C-T.
Other names: short protein forms W139*.
Identifiers: ClinVar variation 3722105 (VCV003722105.2).